The following is an entry in ClinVar:

ClinVar aggregate classification (germline): Uncertain significance (1 of 4 stars; one submission).

Conditions:
CTDP1-related disorder. Also called: CTDP1-related condition.

gnomAD v4.1: 7 of 1,569,804 alleles (0.00045%); highest among the groups gnomAD compares: African/African-American, 0.0027%; no homozygotes.

Submission:

PreventionGenetics, part of Exact Sciences
Classification: Uncertain significance for CTDP1-related condition. Last evaluated: 2025-10-29. Review status: criteria provided, single submitter. Criteria: ACMG Guidelines, 2015. Collection method: clinical testing. Allele origin: germline.
Comment: The CTDP1 c.1514C>T variant is predicted to result in the amino acid substitution p.Pro505Leu. To our knowledge, this variant has not been reported in the literature. This variant is reported in 0.0056% of alleles in individuals of African descent in gnomAD. At this time, the clinical significance of this variant is uncertain due to the absence of conclusive functional and genetic evidence.

NM_004715.5(CTDP1):c.1514C>T (p.Pro505Leu)

Gene: CTDP1 (CTD phosphatase 1; plus strand). Cytogenetic location: 18q23.
Variant type: single nucleotide variant.
Coding change: c.1514C>T on transcript NM_004715.5 (MANE Select); coding-DNA position 1514, C replaced by T.
Protein change: p.Pro505Leu; replaces proline 505 with leucine.
Molecular consequence: missense variant.
Genome position (GRCh38, 1-based): chr18:79,714,974, C>T. VCF-style: chr18-79714974-C-T. GRCh37 (hg19) VCF-style: chr18-77474974-C-T.
Other names: c.1157C>T, p.Pro386Leu (NM_001202504.1); c.1514C>T, p.Pro505Leu (NM_001318511.2, NM_048368.4); short protein forms P386L, P505L.
Identifiers: ClinVar variation 4987335 (VCV004987335.1).